The following continues an entry in ClinVar:

NM_000180.4(GUCY2D):c.2512C>T (p.Arg838Cys)

Gene: GUCY2D. ClinVar aggregate classification (germline): Pathogenic/Likely pathogenic. Pathogenic (16); Likely pathogenic (1).

Submissions 11 to 23 of 23:

CeGaT Center for Human Genetics Tuebingen
Classification: Pathogenic. Last evaluated: 2022-09-01. Review status: criteria provided, single submitter. Criteria: CeGaT Center For Human Genetics Tuebingen Variant Classification Criteria Version 2. Collection method: clinical testing. Allele origin: germline. Affected: yes. Observed: 5 variant alleles.
Comment: GUCY2D: PM2, PM5, PP1:Moderate, PS4:Moderate, PP3, PS3:Supporting

GeneDx
Classification: Pathogenic. Last evaluated: 2022-04-04. Review status: criteria provided, single submitter. Criteria: GeneDx Variant Classification Process June 2021. Collection method: clinical testing. Allele origin: germline. Affected: yes.
Comment: Published functional studies demonstrate a dominant negative effect with a higher activity compared to wild type (Tucker et al., 1999; Wilkie et al., 2000); In silico analysis, which includes protein predictors and evolutionary conservation, supports a deleterious effect; This variant is associated with the following publications: (PMID: 12552567, 29555955, 28559085, 26747767, 30588428, 31456290, 32811265, 32821499, 22183351, 11115851, 24875811, 15175914, 26298565, 24664689, 22194653, 10430891, 11565546, 9618177, 18487367, 17041576, 34048777, 33369172)

Institute of Human Genetics, University of Leipzig Medical Center
Classification: Pathogenic for Cone-rod dystrophy 6. Last evaluated: 2022-02-22. Review status: criteria provided, single submitter. Criteria: ACMG Guidelines, 2015. Collection method: clinical testing. Allele origin: unknown. Affected: yes.
Comment: _x000D_ Criteria applied: PS4, PM5_STR, PM1_SUP, PM2_SUP, PP3

Ocular Genomics Institute, Massachusetts Eye and Ear
Classification: Pathogenic for Leber congenital amaurosis 1. Last evaluated: 2021-04-08. Review status: criteria provided, single submitter. Criteria: ACMG Guidelines, 2015. Collection method: research. Allele origin: germline. Affected: yes.
Comment: Through a review of available evidence we were able to apply the following criteria: PM2, PP3, PM1, PS3, PP1. Based on this evidence we have classified this variant as Pathogenic.

Institute of Human Genetics, Univ. Regensburg, Univ. Regensburg
Classification: Pathogenic for Retinal dystrophy. Last evaluated: 2020-01-01. Review status: criteria provided, single submitter. Criteria: ACMG Guidelines, 2015. Collection method: clinical testing. Allele origin: germline. Affected: yes.

Centre for Mendelian Genomics, University Medical Centre Ljubljana
Classification: Likely pathogenic for Choroidal dystrophy, central areolar, 1. Last evaluated: 2019-04-30. Review status: criteria provided, single submitter. Criteria: ACMG Guidelines, 2015. Collection method: clinical testing. Allele origin: unknown. Affected: yes.
Comment: This variant was classified as: Likely pathogenic. The following ACMG criteria were applied in classifying this variant: PS1,PM2,PP3.

Suma Genomics
Classification: Pathogenic for Cone-rod dystrophy 6. Review status: criteria provided, single submitter. Criteria: ACMG Guidelines, 2015. Collection method: clinical testing. Allele origin: inherited. Inheritance: Autosomal dominant inheritance. Affected: yes.

Sharon lab, Hadassah-Hebrew University Medical Center
Classification: Pathogenic for cone dystrophy. Last evaluated: 2019-06-23. Review status: no assertion criteria provided. Collection method: research. Allele origin: inherited. Affected: yes. Not counted in ClinVar's aggregate classification.

Joint Genome Diagnostic Labs from Nijmegen and Maastricht, Radboudumc and MUMC+
Classification: Pathogenic for Cone-rod dystrophy 6. Last evaluated: 2016-09-01. Review status: no assertion criteria provided. Collection method: clinical testing. Allele origin: unknown, inherited. Affected: yes. Observed: 2 variant alleles. Not counted in ClinVar's aggregate classification.

OMIM
Classification: Pathogenic for CONE-ROD DYSTROPHY 6. Last evaluated: 2003-02-01. Review status: no assertion criteria provided. Collection method: literature only. Allele origin: germline. Not counted in ClinVar's aggregate classification.

Department of Ophthalmology and Visual Sciences Kyoto University
Classification: Pathogenic for Cone-rod dystrophy 6. Review status: no assertion criteria provided. Collection method: not provided. Allele origin: unknown. Not counted in ClinVar's aggregate classification.
ClinVar note: Converted during submission from pathogenic to Pathogenic.

Genomics England Pilot Project, Genomics England
Classification: Pathogenic for Cone-rod dystrophy 6. Review status: no assertion criteria provided. Criteria: ACGS Guidelines, 2016. Collection method: clinical testing. Allele origin: germline. Affected: yes. Not counted in ClinVar's aggregate classification.

Retina International
No classification provided. Review status: no classification provided. Collection method: not provided. Allele origin: unknown. Not counted in ClinVar's aggregate classification.

Literature cited by the submitters: PubMed 26957898 (cited by Research Institute for Ophthalmology and Vision Science, Shahid Beheshti University of Medical Sciences); PubMed 9618177 (cited by 6 submitters); PubMed 15175914 (cited by 5 submitters); PubMed 26298565 (cited by 5 submitters); PubMed 11115851 (cited by 7 submitters); PubMed 12552567 (cited by 4 submitters); PubMed 11565546 (cited by 3billion); PubMed 10430891 (cited by Division of Genetic & Genomic Pathology, Hong Kong Children's Hospital); PubMed 10951519 (cited by Ocular Genomics Institute, Massachusetts Eye and Ear); PubMed 8554074 (cited by Ocular Genomics Institute, Massachusetts Eye and Ear and OMIM); PubMed 22183351 (cited by Institute of Human Genetics, Univ. Regensburg, Univ. Regensburg); PubMed 24875811 (cited by Institute of Human Genetics, Univ. Regensburg, Univ. Regensburg); PubMed 26747767 (cited by Institute of Human Genetics, Univ. Regensburg, Univ. Regensburg); PubMed 28559085 (cited by Institute of Human Genetics, Univ. Regensburg, Univ. Regensburg); PubMed 29555955 (cited by Institute of Human Genetics, Univ. Regensburg, Univ. Regensburg); PubMed 30588428 (cited by Institute of Human Genetics, Univ. Regensburg, Univ. Regensburg); PubMed 31429209 (cited by Institute of Human Genetics, Univ. Regensburg, Univ. Regensburg); PubMed 32821499 (cited by Institute of Human Genetics, Univ. Regensburg, Univ. Regensburg); PubMed 31456290 (cited by Institute of Human Genetics, Univ. Regensburg, Univ. Regensburg); PubMed 32811265 (cited by Institute of Human Genetics, Univ. Regensburg, Univ. Regensburg); PubMed 32531858 (cited by Institute of Human Genetics, Univ. Regensburg, Univ. Regensburg); PubMed 31816670 (cited by Institute of Human Genetics, Univ. Regensburg, Univ. Regensburg); PubMed 33369172 (cited by Institute of Human Genetics, Univ. Regensburg, Univ. Regensburg); PubMed 33749171 (cited by Institute of Human Genetics, Univ. Regensburg, Univ. Regensburg); PubMed 34758253 (cited by Institute of Human Genetics, Univ. Regensburg, Univ. Regensburg); PubMed 34048777 (cited by Institute of Human Genetics, Univ. Regensburg, Univ. Regensburg); PubMed 35119454 (cited by Institute of Human Genetics, Univ. Regensburg, Univ. Regensburg); PubMed 35260635 (cited by Institute of Human Genetics, Univ. Regensburg, Univ. Regensburg); PubMed 36460718 (cited by Institute of Human Genetics, Univ. Regensburg, Univ. Regensburg); PubMed 36284460 (cited by Institute of Human Genetics, Univ. Regensburg, Univ. Regensburg); PubMed 36819107 (cited by Institute of Human Genetics, Univ. Regensburg, Univ. Regensburg).